The following is an entry in ClinVar:

ClinVar aggregate classification (germline): Uncertain significance (1 of 4 stars; one submission).

Submission:

Labcorp Genetics (formerly Invitae), Labcorp
Classification: Uncertain significance. Last evaluated: 2025-03-17. Review status: criteria provided, single submitter. Criteria: Invitae Variant Classification Sherloc (09022015). Collection method: clinical testing. Allele origin: germline.
Comment: This sequence change replaces glutamic acid, which is acidic and polar, with lysine, which is basic and polar, at codon 623 of the ALPK3 protein (p.Glu623Lys). This variant is not present in population databases (gnomAD no frequency). This variant has not been reported in the literature in individuals affected with ALPK3-related conditions. Invitae Evidence Modeling of protein sequence and biophysical properties (such as structural, functional, and spatial information, amino acid conservation, physicochemical variation, residue mobility, and thermodynamic stability) indicates that this missense variant is expected to disrupt ALPK3 protein function with a positive predictive value of 80%. In summary, the available evidence is currently insufficient to determine the role of this variant in disease. Therefore, it has been classified as a Variant of Uncertain Significance.

NM_020778.5(ALPK3):c.1261G>A (p.Glu421Lys)

Gene: ALPK3 (alpha kinase 3; plus strand). Cytogenetic location: 15q25.3.
Variant type: single nucleotide variant.
Coding change: c.1261G>A on transcript NM_020778.5 (MANE Select); coding-DNA position 1261, G replaced by A.
Protein change: p.Glu421Lys; replaces glutamic acid 421 with lysine.
Molecular consequence: missense variant.
Genome position (GRCh38, 1-based): chr15:84,840,540, G>A. VCF-style: chr15-84840540-G-A. GRCh37 (hg19) VCF-style: chr15-85383771-G-A.
Other names: short protein forms E421K.
Identifiers: ClinVar variation 4776896 (VCV004776896.1).